The following is an entry in ClinVar:

ClinVar aggregate classification (germline): Uncertain significance. Review status: criteria provided, multiple submitters, no conflicts (2 of 4 stars). 2 submissions from 2 submitters: Uncertain significance (2). Last evaluated 2023-01-13.

Conditions:
Very long chain acyl-CoA dehydrogenase deficiency (ACADVLD). Also called: VLCAD Deficiency; Very Long-Chain Acyl-Coenzyme A Dehydrogenase Deficiency. Identifiers: Orphanet 26793, MedGen C3887523, MONDO:0008723, OMIM 201475.

Allele frequency attached by ClinVar (database versions not stated): gnomAD exomes below 0.00001.
gnomAD v4.1: 1 of 1,614,124 alleles (0.000062%); highest among the groups gnomAD compares: South Asian, 0.0011%; no homozygotes.

Submissions (2):

Revvity Omics, Revvity
Classification: Uncertain significance for Very long chain acyl-CoA dehydrogenase deficiency. Last evaluated: 2023-01-13. Review status: criteria provided, single submitter. Criteria: ACMG Guidelines, 2015. Collection method: clinical testing. Allele origin: germline.

ARUP Laboratories, Molecular Genetics and Genomics, ARUP Laboratories
Classification: Uncertain significance. Last evaluated: 2018-03-01. Review status: criteria provided, single submitter. Criteria: ARUP Molecular Germline Variant Investigation Process. Collection method: clinical testing. Allele origin: germline.
Comment: The ACADVL c.1281G>C; p.Trp427Cys variant, to our knowledge, is not reported in the medical literature or in gene-specific database. It is also absent from general population databases (1000 Genomes Project, Exome Variant Server, and Genome Aggregation Database), indicating it is not a common polymorphism. The tryptophan at codon 427 is highly conserved but computational algorithms (SIFT: tolerated, PolyPhen2: damaging) predict conflicting effects of this variant on protein structure/function. Given the lack of clinical and functional data regarding this variant, its clinical significance cannot be determined with certainty.

NM_000018.4(ACADVL):c.1281G>C (p.Trp427Cys)

Gene: ACADVL (acyl-CoA dehydrogenase very long chain; plus strand). Cytogenetic location: 17p13.1.
Variant type: single nucleotide variant.
Coding change: c.1281G>C on transcript NM_000018.4 (MANE Select); coding-DNA position 1281, G replaced by C.
Protein change: p.Trp427Cys; replaces tryptophan 427 with cysteine.
Molecular consequence: missense variant.
Genome position (GRCh38, 1-based): chr17:7,223,824, G>C. VCF-style: chr17-7223824-G-C. GRCh37 (hg19) VCF-style: chr17-7127143-G-C.
Other names: c.1215G>C, p.Trp405Cys (NM_001033859.3); c.1350G>C, p.Trp450Cys (NM_001270447.2); c.1053G>C, p.Trp351Cys (NM_001270448.2); short protein forms W351C, W427C, W405C, W450C.
Identifiers: ClinVar variation 617954 (VCV000617954.10), dbSNP rs1567567312, ClinGen allele CA397724769.